The following is an entry in ClinVar:

ClinVar aggregate classification (germline): Uncertain significance. Review status: criteria provided, multiple submitters, no conflicts (2 of 4 stars). 2 submissions from 2 submitters: Uncertain significance (2). Last evaluated 2025-04-19.

Allele frequency attached by ClinVar (database versions not stated): gnomAD 0.00001; ExAC 0.00002; TOPMed 0.00002.

Submissions (2):

Ambry Genetics
Classification: Uncertain significance. Last evaluated: 2025-04-19. Review status: criteria provided, single submitter. Criteria: Ambry Variant Classification Scheme 2023. Collection method: clinical testing. Allele origin: germline.

Labcorp Genetics (formerly Invitae), Labcorp
Classification: Uncertain significance. Last evaluated: 2024-09-27. Review status: criteria provided, single submitter. Criteria: Invitae Variant Classification Sherloc (09022015). Collection method: clinical testing. Allele origin: germline.
Comment: This sequence change replaces glutamine, which is neutral and polar, with glutamic acid, which is acidic and polar, at codon 66 of the NFE2L2 protein (p.Gln66Glu). This variant is present in population databases (rs760905614, gnomAD 0.02%). This variant has not been reported in the literature in individuals affected with NFE2L2-related conditions. Invitae Evidence Modeling of protein sequence and biophysical properties (such as structural, functional, and spatial information, amino acid conservation, physicochemical variation, residue mobility, and thermodynamic stability) indicates that this missense variant is not expected to disrupt NFE2L2 protein function with a negative predictive value of 80%. In summary, the available evidence is currently insufficient to determine the role of this variant in disease. Therefore, it has been classified as a Variant of Uncertain Significance.

NM_006164.5(NFE2L2):c.196C>G (p.Gln66Glu)

Gene: NFE2L2 (NFE2 like bZIP transcription factor 2; minus strand). Cytogenetic location: 2q31.2.
Variant type: single nucleotide variant.
Coding change: c.196C>G on transcript NM_006164.5 (MANE Select); coding-DNA position 196, C replaced by G.
Protein change: p.Gln66Glu; replaces glutamine 66 with glutamic acid.
Molecular consequence: missense variant. On other transcripts: 5 prime UTR variant (1), intron variant (1).
Genome position (GRCh38, 1-based): chr2:177,234,121, G>C on the plus strand (C>G on the coding strand, the complement: NFE2L2 is on the minus strand). VCF-style: chr2-177234121-G-C. GRCh37 (hg19) VCF-style: chr2-178098849-G-C.
Other names: c.196C>G (NM_006164.3); c.148C>G, p.Gln50Glu (NM_001145412.3, NM_001145413.3, NM_001313900.1 and 1 more transcripts); c.196C>G, p.Gln66Glu (NM_001313902.2); c.-34C>G (NM_001313904.1); c.93+103C>G (NM_001313903.2); short protein forms Q50E, Q66E.
Identifiers: ClinVar variation 2713724 (VCV002713724.4), dbSNP rs760905614, ClinGen allele CA1979933.